The following is an entry in ClinVar:

ClinVar aggregate classification (germline): Pathogenic/Likely pathogenic. Review status: criteria provided, multiple submitters, no conflicts (2 of 4 stars). 4 submissions from 4 submitters: Pathogenic (1); Likely pathogenic (3). Last evaluated 2026-03-16.

Conditions:
Cardiovascular phenotype. Identifiers: MedGen CN230736.
Cardiomyopathy (CMYO). Also called: Cardiomyopathies. Identifiers: Orphanet 167848, MedGen C0878544, MONDO:0004994, HP:0001638. Inheritance: Various modes of inheritance.
Hypertrophic cardiomyopathy. Also called: HYPERTROPHIC MYOCARDIOPATHY. Identifiers: Orphanet 217569, MedGen C0007194, MeSH D002312, MONDO:0005045, HP:0001639.

Submissions (4):

Women's Health and Genetics/Laboratory Corporation of America, LabCorp
Classification: Likely pathogenic for Cardiomyopathy. Last evaluated: 2026-03-16. Review status: criteria provided, single submitter. Criteria: LabCorp Variant Classification Summary - May 2015. Collection method: clinical testing. Allele origin: germline.
Comment: Variant summary: MYBPC3 c.927-10C>A alters a nucleotide located at a position not widely known to affect splicing. Consensus agreement among computation tools predict no significant impact on normal splicing. However, at least one publication reports experimental evidence that this variant affects mRNA splicing (Ito_2017). The variant was absent in 180618 control chromosomes. c.927-10C>A has been observed in individuals affected with Hypertrophic Cardiomyopathy and has been found to segregate with the phenotype in related individuals (e.g. Alfares_2015, Ho_2018, Marschall_2019, Holler_2021, internal data). These data indicate that the variant is likely associated with disease. The following publications have been ascertained in the context of this evaluation (PMID: 25611685, 30297972, 34680864, 28679633, 31737537, 37652022, 32841044). ClinVar contains an entry for this variant (Variation ID: 42805). Based on the evidence outlined above, the variant was classified as likely pathogenic.

Labcorp Genetics (formerly Invitae), Labcorp
Classification: Pathogenic for Hypertrophic cardiomyopathy. Last evaluated: 2024-06-12. Review status: criteria provided, single submitter. Criteria: Invitae Variant Classification Sherloc (09022015). Collection method: clinical testing. Allele origin: germline.
Comment: This sequence change falls in intron 11 of the MYBPC3 gene. It does not directly change the encoded amino acid sequence of the MYBPC3 protein. This variant is not present in population databases (gnomAD no frequency). This variant has been observed in individuals with hypertrophic cardiomyopathy (PMID: 25611685, 31737537, 32841044, 37652022; Invitae). It has also been observed to segregate with disease in related individuals. ClinVar contains an entry for this variant (Variation ID: 42805). Studies have shown that this variant alters mRNA splicing and is expected to lead to the loss of protein expression (PMID: 28679633). For these reasons, this variant has been classified as Pathogenic.

Molecular Diagnostic Laboratory for Inherited Cardiovascular Disease, Montreal Heart Institute
Classification: Likely pathogenic for Cardiovascular phenotype. Last evaluated: 2022-05-06. Review status: criteria provided, single submitter. Criteria: ACMG Guidelines, 2015. Collection method: clinical testing. Allele origin: germline. Affected: yes.

Laboratory for Molecular Medicine, Mass General Brigham Personalized Medicine
Classification: Likely pathogenic for Hypertrophic cardiomyopathy. Last evaluated: 2019-01-31. Review status: criteria provided, single submitter. Criteria: LMM Criteria. Collection method: clinical testing. Allele origin: germline. Inheritance: Autosomal dominant inheritance. Observed: 8 variant alleles.
Comment: The c.927-10C>A variant in MYBPC3 has been identified in 3 individuals with HCM and segregated with disease in 4 affected relatives from 2 families (LMM data). It was absent from large population studies. This variant is located in the 3' splice region. An in vitro splicing assay demonstrates that this variant impacts splicing (Ito 2017). Variants that impact splicing and other loss-of-function variants in MYBPC3 are a common cause of HCM. In summary, although additional studies are required to fully establish its clinical significance, this variant meets criteria to be classified as likely pathogenic for autosomal dominant HCM. ACMG/AMP Criteria applied: PS3_Moderate, PM2, PS4_Supporting, PP1.

Literature cited by the submitters: PubMed 25611685 (cited by Women's Health and Genetics/Laboratory Corporation of America, LabCorp and Labcorp Genetics (formerly Invitae), Labcorp); PubMed 28679633 (cited by 3 submitters); PubMed 30297972 (cited by Women's Health and Genetics/Laboratory Corporation of America, LabCorp); PubMed 31737537 (cited by Women's Health and Genetics/Laboratory Corporation of America, LabCorp and Labcorp Genetics (formerly Invitae), Labcorp); PubMed 32841044 (cited by Women's Health and Genetics/Laboratory Corporation of America, LabCorp and Labcorp Genetics (formerly Invitae), Labcorp); PubMed 37652022 (cited by Women's Health and Genetics/Laboratory Corporation of America, LabCorp and Labcorp Genetics (formerly Invitae), Labcorp); PubMed 34680864 (cited by Women's Health and Genetics/Laboratory Corporation of America, LabCorp); PubMed 24113344 (cited by Laboratory for Molecular Medicine, Mass General Brigham Personalized Medicine).

NM_000256.3(MYBPC3):c.927-10C>A

Gene: MYBPC3 (myosin binding protein C3; minus strand). Cytogenetic location: 11p11.2.
Variant type: single nucleotide variant.
Coding change: c.927-10C>A on transcript NM_000256.3 (MANE Select); 10 bases into the intron before coding-DNA position 927, C replaced by A.
Molecular consequence: intron variant.
Genome position (GRCh38, 1-based): chr11:47,346,380, G>T on the plus strand (C>A on the coding strand, the complement: MYBPC3 is on the minus strand). VCF-style: chr11-47346380-G-T. GRCh37 (hg19) VCF-style: chr11-47367931-G-T.
Identifiers: ClinVar variation 42805 (VCV000042805.15), dbSNP rs201078659, ClinGen allele CA016112.